The following is an entry in ClinVar:

NM_000133.4(F9):c.533G>A (p.Cys178Tyr)

Gene: F9 (coagulation factor IX; plus strand). Cytogenetic location: Xq27.1.
Variant type: single nucleotide variant.
Coding change: c.533G>A on transcript NM_000133.4 (MANE Select); coding-DNA position 533, G replaced by A.
Protein change: p.Cys178Tyr; replaces cysteine 178 with tyrosine.
Molecular consequence: missense variant.
Genome position (GRCh38, 1-based): chrX:139,551,074, G>A. VCF-style: chrX-139551074-G-A. GRCh37 (hg19) VCF-style: chrX-138633233-G-A.
Other names: c.419G>A, p.Cys140Tyr (NM_001313913.2); short protein forms C140Y, C178Y.
Identifiers: ClinVar variation 4537255 (VCV004537255.1).

ClinVar aggregate classification (germline): Pathogenic (1 of 4 stars; one submission).

Conditions:
Hereditary factor IX deficiency disease (HEMB). Also called: F9 DEFICIENCY; FACTOR IX DEFICIENCY; PLASMA THROMBOPLASTIN COMPONENT DEFICIENCY; Hemophilia B; Christmas Disease. Identifiers: Orphanet 98879, MedGen C0008533, MeSH D002836, MONDO:0010604, OMIM 306900.

Submission:

Women's Health and Genetics/Laboratory Corporation of America, LabCorp
Classification: Pathogenic for Hereditary factor IX deficiency disease. Last evaluated: 2025-11-28. Review status: criteria provided, single submitter. Criteria: LabCorp Variant Classification Summary - May 2015. Collection method: clinical testing. Allele origin: germline.
Comment: Variant summary: F9 c.533G>A (p.Cys178Tyr) results in a non-conservative amino acid change in the encoded protein sequence. Algorithms developed to predict the effect of missense changes on protein structure and function all suggest that this variant is likely to be disruptive. The variant was absent in 183017 control chromosomes (gnomAD). c.533G>A has been observed in multiple individuals affected with Factor IX Deficiency (Hemophilia B)(e.g., Bottema_1991, Lin_1993, Tartary_1993, Belvini_2005, Bicocchi_2006, Radic_2013). These data indicate that the variant is very likely to be associated with disease. The following publications have been ascertained in the context of this evaluation (PMID: 1680287, 8470048, 8217825, 15921378, 16643212, 23093250). No submitters have cited clinical-significance assessments for this variant to ClinVar. Based on the evidence outlined above, the variant was classified as pathogenic.

Literature cited by the submitters: PubMed 16643212; PubMed 15921378; PubMed 1680287; PubMed 23093250; PubMed 8470048; PubMed 8217825.